The following is an entry in ClinVar:

NM_001286.5(CLCN6):c.1439dup (p.Tyr480Ter)

Gene: CLCN6 (chloride voltage-gated channel 6; plus strand). Cytogenetic location: 1p36.22.
Variant type: Duplication.
Coding change: c.1439dup on transcript NM_001286.5 (MANE Select); coding-DNA position 1439, one base duplicated (A; older notation c.1439dupA).
Protein change: p.Tyr480Ter; replaces tyrosine 480 with a stop codon.
Molecular consequence: nonsense. On other transcripts: non-coding transcript variant (1).
Genome position (GRCh38, 1-based): chr1:11,833,943, A duplicated. VCF-style (leftmost placement, unchanged base first): chr1-11833942-T-TA. GRCh37 (hg19) VCF-style: chr1-11893999-T-TA.
Other names: c.1373dup, p.Tyr458Ter (NM_001256959.2); short protein forms Y458*, Y480*.
Identifiers: ClinVar variation 3683292 (VCV003683292.2).

ClinVar aggregate classification (germline): Uncertain significance (1 of 4 stars; one submission).

Submission:

Labcorp Genetics (formerly Invitae), Labcorp
Classification: Uncertain significance. Last evaluated: 2024-02-05. Review status: criteria provided, single submitter. Criteria: Invitae Variant Classification Sherloc (09022015). Collection method: clinical testing. Allele origin: germline.
Comment: This sequence change creates a premature translational stop signal (p.Tyr480*) in the CLCN6 gene. It is expected to result in an absent or disrupted protein product. However, the current clinical and genetic evidence is not sufficient to establish whether loss-of-function variants in CLCN6 cause disease. This variant is present in population databases (rs747221082, gnomAD 0.0009%). This variant has not been reported in the literature in individuals affected with CLCN6-related conditions. In summary, the available evidence is currently insufficient to determine the role of this variant in disease. Therefore, it has been classified as a Variant of Uncertain Significance.